The following is an entry in ClinVar:

NM_001100913.3(PACS2):c.2179G>A (p.Ala727Thr)

Gene: PACS2 (phosphofurin acidic cluster sorting protein 2; plus strand). Cytogenetic location: 14q32.33.
Variant type: single nucleotide variant.
Coding change: c.2179G>A on transcript NM_001100913.3 (MANE Select); coding-DNA position 2179, G replaced by A.
Protein change: p.Ala727Thr; replaces alanine 727 with threonine.
Molecular consequence: missense variant.
Genome position (GRCh38, 1-based): chr14:105,391,690, G>A. VCF-style: chr14-105391690-G-A. GRCh37 (hg19) VCF-style: chr14-105858027-G-A.
Other names: c.1909G>A, p.Ala637Thr (NM_001243127.3); c.2134G>A, p.Ala712Thr (NM_015197.4); short protein forms A727T, A637T, A712T.
Identifiers: ClinVar variation 2957983 (VCV002957983.26), dbSNP rs782122419, ClinGen allele CA7389187.
Genomic context (GRCh38, chr14:105,391,690, plus strand): 5'-GGCGACTCGGACGACGCGGCCCCCTCGGGCTCTGGCACGCTCTCCTCCACCCCGCCGTCC[G>A]CATCTCCTGCGGCCAAGGAGGCCTCACCCACCCCGCCCTCCTCCCCGTCGGTGAGCGGAG-3'
Protein context (NP_001094383.2, residues 717-737): SGTLSSTPPS[Ala727Thr]SPAAKEASPT

ClinVar aggregate classification (germline): Conflicting classifications of pathogenicity. Review status: criteria provided, conflicting classifications (1 of 4 stars). 3 submissions from 3 submitters: Uncertain significance (1); Likely benign (2). Last evaluated 2024-10-30.

Allele frequency attached by ClinVar (database versions not stated): gnomAD exomes 0.00001; gnomAD 0.00003; ExAC 0.00005.
gnomAD v4.1: 18 of 1,606,580 alleles (0.0011%); highest among the groups gnomAD compares: South Asian, 0.0078%; no homozygotes.

Submissions (3):

Labcorp Genetics (formerly Invitae), Labcorp
Classification: Uncertain significance. Last evaluated: 2024-10-30. Review status: criteria provided, single submitter. Criteria: Invitae Variant Classification Sherloc (09022015). Collection method: clinical testing. Allele origin: germline.
Comment: This sequence change replaces alanine, which is neutral and non-polar, with threonine, which is neutral and polar, at codon 727 of the PACS2 protein (p.Ala727Thr). The frequency data for this variant in the population databases is considered unreliable, as metrics indicate poor data quality at this position in the gnomAD database. This variant has not been reported in the literature in individuals affected with PACS2-related conditions. ClinVar contains an entry for this variant (Variation ID: 2957983). Invitae Evidence Modeling of protein sequence and biophysical properties (such as structural, functional, and spatial information, amino acid conservation, physicochemical variation, residue mobility, and thermodynamic stability) indicates that this missense variant is not expected to disrupt PACS2 protein function with a negative predictive value of 80%. In summary, the available evidence is currently insufficient to determine the role of this variant in disease. Therefore, it has been classified as a Variant of Uncertain Significance.

CeGaT Center for Human Genetics Tuebingen
Classification: Likely benign. Last evaluated: 2023-12-01. Review status: criteria provided, single submitter. Criteria: CeGaT Center For Human Genetics Tuebingen Variant Classification Criteria Version 2. Collection method: clinical testing. Allele origin: germline. Affected: yes. Observed: 1 variant allele.
Comment: PACS2: BP4

Blueprint Genetics
Classification: Likely benign. Last evaluated: 2020-07-27. Review status: criteria provided, single submitter. Criteria: ACMG Guidelines, 2015. Collection method: clinical testing. Allele origin: germline.